The following is an entry in ClinVar:

NM_012268.4(PLD3):c.1248CAA[1] (p.Asn417del)

Gene: PLD3 (phospholipase D family member 3; plus strand). Cytogenetic location: 19q13.2.
Variant type: Microsatellite.
Coding change: c.1248CAA[1] on transcript NM_012268.4 (MANE Select); one copy of the 3-base unit CAA starting at c.1248; the reference has two copies in a row; one copy, 3 bases deleted.
Protein change: p.Asn417del; deletes asparagine 417.
Genome position (GRCh38, 1-based): chr19:40,377,851-40,377,853, CAA deleted; deleting any 3 consecutive bases within chr19:40,377,847-40,377,853 gives the same sequence; the position shown is the placement nearest the transcript's 3' end. VCF-style (leftmost placement, unchanged base first): chr19-40377846-CACA-C. GRCh37 (hg19) VCF-style: chr19-40883753-CACA-C.
Other names: c.1248CAA[1], p.Asn417del (NM_001031696.4, NM_001291311.2); short protein forms N417del.
Identifiers: ClinVar variation 3719009 (VCV003719009.2).

ClinVar aggregate classification (germline): Uncertain significance (1 of 4 stars; one submission).

Submission:

Labcorp Genetics (formerly Invitae), Labcorp
Classification: Uncertain significance. Last evaluated: 2024-11-14. Review status: criteria provided, single submitter. Criteria: Invitae Variant Classification Sherloc (09022015). Collection method: clinical testing. Allele origin: germline.
Comment: This variant, c.1251_1253del, results in the deletion of 1 amino acid(s) of the PLD3 protein (p.Asn417del), but otherwise preserves the integrity of the reading frame. This variant is present in population databases (rs774732322, gnomAD 0.002%). This variant has not been reported in the literature in individuals affected with PLD3-related conditions. Experimental studies and prediction algorithms are not available or were not evaluated, and the functional significance of this variant is currently unknown. In summary, the available evidence is currently insufficient to determine the role of this variant in disease. Therefore, it has been classified as a Variant of Uncertain Significance.